The following is an entry in ClinVar:

ClinVar aggregate classification (germline): Likely benign. Review status: criteria provided, single submitter (1 of 4 stars). 2 submissions from 2 submitters: Likely benign (1). 1 of the submissions does not count toward it. Last evaluated 2023-10-14.

Conditions:
COL6A3-related disorder. Also called: COL6A3-related condition; COL6A3-related disorders.
Bethlem myopathy 1A. Also called: Bethlem Muscular Dystrophy; MYOPATHY, BENIGN CONGENITAL, WITH CONTRACTURES; Bethlem myopathy 1. Identifiers: Orphanet 610, MedGen CN029274, MONDO:0024530, OMIM 158810.

gnomAD v4.1: 4 of 1,614,010 alleles (0.00025%); highest among the groups gnomAD compares: African/African-American, 0.0013%; no homozygotes.

Submissions (2):

Labcorp Genetics (formerly Invitae), Labcorp
Classification: Likely benign for Bethlem myopathy 1A. Last evaluated: 2023-10-14. Review status: criteria provided, single submitter. Criteria: Invitae Variant Classification Sherloc (09022015). Collection method: clinical testing. Allele origin: germline.

PreventionGenetics, part of Exact Sciences
Classification: Likely benign for COL6A3-related condition. Last evaluated: 2019-08-08. Review status: no assertion criteria provided. Collection method: clinical testing. Allele origin: germline. Not counted in ClinVar's aggregate classification.
Comment: This variant is classified as likely benign based on ACMG/AMP sequence variant interpretation guidelines (Richards et al. 2015 PMID: 25741868, with internal and published modifications).

NM_004369.4(COL6A3):c.2145G>C (p.Ser715=)

Gene: COL6A3 (collagen type VI alpha 3 chain; minus strand). Cytogenetic location: 2q37.3.
Variant type: single nucleotide variant.
Coding change: c.2145G>C on transcript NM_004369.4 (MANE Select); coding-DNA position 2145, G replaced by C.
Protein change: p.Ser715=; no amino-acid change (serine 715 retained).
Molecular consequence: synonymous variant. On other transcripts: intron variant (1).
Genome position (GRCh38, 1-based): chr2:237,378,988, C>G on the plus strand (G>C on the coding strand, the complement: COL6A3 is on the minus strand). VCF-style: chr2-237378988-C-G. GRCh37 (hg19) VCF-style: chr2-238287631-C-G.
Other names: c.924G>C, p.Ser308= (NM_057164.5); c.1527G>C, p.Ser509= (NM_057165.5, NM_057167.4); c.677-1644G>C (NM_057166.5).
Identifiers: ClinVar variation 760476 (VCV000760476.10), dbSNP rs375924639, ClinGen allele CA67826883.